The following is an entry in ClinVar:

NM_001042492.3(NF1):c.4286A>G (p.Lys1429Arg)

Gene: NF1 (neurofibromin 1; plus strand). Cytogenetic location: 17q11.2.
Variant type: single nucleotide variant.
Coding change: c.4286A>G on transcript NM_001042492.3 (MANE Select); coding-DNA position 4286, A replaced by G.
Protein change: p.Lys1429Arg; replaces lysine 1429 with arginine.
Molecular consequence: missense variant.
Genome position (GRCh38, 1-based): chr17:31,258,456, A>G. VCF-style: chr17-31258456-A-G. GRCh37 (hg19) VCF-style: chr17-29585474-A-G.
Other names: c.4223A>G, p.Lys1408Arg (NM_000267.4); short protein forms K1408R, K1429R.
Identifiers: ClinVar variation 1009689 (VCV001009689.8), dbSNP rs778056258, ClinGen allele CA8486371.
Genomic context (GRCh38, chr17:31,258,456, plus strand): 5'-TGTTCCTCAGATTTATCAATCCTGCCATTGTCTCACCGTATGAAGCAGGGATTTTAGATA[A>G]AAAGCCACCACCTAGAATCGAAAGGGGCTTGAAGTTAATGTCAAAGGTGAATTATTTTGA-3'
Protein context (NP_001035957.1, residues 1419-1439): VSPYEAGILD[Lys1429Arg]KPPPRIERGL

ClinVar aggregate classification (germline): Uncertain significance. Review status: criteria provided, multiple submitters, no conflicts (2 of 4 stars). 3 submissions from 3 submitters: Uncertain significance (3). Last evaluated 2025-07-23.

Conditions:
Hereditary cancer-predisposing syndrome. Also called: Tumor predisposition; Hereditary Cancer Syndrome; Neoplastic Syndromes, Hereditary; Hereditary neoplastic syndrome. Identifiers: Orphanet 140162, MedGen C0027672, MeSH D009386, MONDO:0015356.
Cardiovascular phenotype. Identifiers: MedGen CN230736.
Neurofibromatosis, type 1 (NF1). Also called: VON RECKLINGHAUSEN DISEASE; Neurofibromatosis, type I; NEUROFIBROMATOSIS, TYPE I, SOMATIC; Peripheral type neurofibromatosis. Identifiers: Orphanet 636, MedGen C0027831, MONDO:0018975, OMIM 162200. Disease mechanism: loss of function.
Neurofibromatosis, familial spinal (FSNF). Identifiers: Orphanet 636, MedGen C1834235, MONDO:0008078, OMIM 162210. Disease mechanism: loss of function.
Juvenile myelomonocytic leukemia (JMML). Also called: LEUKEMIA, JUVENILE MYELOMONOCYTIC, SOMATIC. Identifiers: Orphanet 86834, MedGen C0349639, MONDO:0011908, OMIM 607785, HP:0012209.
Neurofibromatosis-Noonan syndrome (NFNS). Also called: NEUROFIBROMATOSIS WITH NOONAN PHENOTYPE. Identifiers: Orphanet 638, MedGen C2931482, MONDO:0011035, OMIM 601321. Disease mechanism: loss of function.
Café-au-lait macules with pulmonary stenosis (WTSN). Also called: PULMONIC STENOSIS WITH CAFE-AU-LAIT SPOTS. Identifiers: MedGen C0553586, MONDO:0008672, OMIM 193520.

Allele frequency attached by ClinVar (database versions not stated): ExAC 0.00001; gnomAD exomes 0.00001 and 0.00002; TOPMed 0.00001.
gnomAD v4.1: 5 of 1,613,990 alleles (0.00031%); highest among the groups gnomAD compares: Admixed American, 0.0083%; no homozygotes.

Submissions (3):

Labcorp Genetics (formerly Invitae), Labcorp
Classification: Uncertain significance for Neurofibromatosis, type 1. Last evaluated: 2025-07-23. Review status: criteria provided, single submitter. Criteria: Invitae Variant Classification Sherloc (09022015). Collection method: clinical testing. Allele origin: germline.
Comment: This sequence change replaces lysine, which is basic and polar, with arginine, which is basic and polar, at codon 1408 of the NF1 protein (p.Lys1408Arg). This variant is present in population databases (rs778056258, gnomAD 0.01%). This variant has not been reported in the literature in individuals affected with NF1-related conditions. ClinVar contains an entry for this variant (Variation ID: 1009689). Invitae Evidence Modeling of protein sequence and biophysical properties (such as structural, functional, and spatial information, amino acid conservation, physicochemical variation, residue mobility, and thermodynamic stability) indicates that this missense variant is not expected to disrupt NF1 protein function with a negative predictive value of 95%. In summary, the available evidence is currently insufficient to determine the role of this variant in disease. Therefore, it has been classified as a Variant of Uncertain Significance.

Fulgent Genetics
Classification: Uncertain significance for Neurofibromatosis, type 1; Neurofibromatosis, familial spinal; Café-au-lait macules with pulmonary stenosis; Neurofibromatosis-Noonan syndrome; Juvenile myelomonocytic leukemia. Last evaluated: 2024-05-28. Review status: criteria provided, single submitter. Criteria: ACMG Guidelines, 2015. Collection method: clinical testing. Allele origin: germline.

Ambry Genetics
Classification: Uncertain significance for Cardiovascular phenotype; Hereditary cancer-predisposing syndrome. Last evaluated: 2023-05-15. Review status: criteria provided, single submitter. Criteria: Ambry Variant Classification Scheme 2023. Collection method: clinical testing. Allele origin: germline.
Comment: The p.K1408R variant (also known as c.4223A>G), located in coding exon 31 of the NF1 gene, results from an A to G substitution at nucleotide position 4223. The lysine at codon 1408 is replaced by arginine, an amino acid with highly similar properties. This amino acid position is well conserved in available vertebrate species. In addition, this alteration is predicted to be tolerated by in silico analysis. Since supporting evidence is limited at this time, the clinical significance of this alteration remains unclear.